The following is an entry in ClinVar:

ClinVar aggregate classification (germline): Conflicting classifications of pathogenicity. Review status: criteria provided, conflicting classifications (1 of 4 stars). 3 submissions from 3 submitters: Uncertain significance (2); Likely benign (1). Last evaluated 2025-10-07.

Conditions:
Hereditary cancer-predisposing syndrome. Also called: Hereditary neoplastic syndrome; Hereditary Cancer Syndrome; Neoplastic Syndromes, Hereditary; Tumor predisposition. Identifiers: Orphanet 140162, MedGen C0027672, MeSH D009386, MONDO:0015356.
Familial adenomatous polyposis 2. Also called: MYH-associated polyposis; COLORECTAL ADENOMATOUS POLYPOSIS, AUTOSOMAL RECESSIVE; ADENOMAS, MULTIPLE COLORECTAL, AUTOSOMAL RECESSIVE; MUTYH-related attenuated familial adenomatous polyposis; Adenomas, multiple colorectal; FAP type 2. Identifiers: Orphanet 220460, Orphanet 247798, MedGen C3272841, MONDO:0012041, OMIM 608456.

Allele frequency attached by ClinVar (database versions not stated): gnomAD exomes below 0.00001.

Submissions (3):

Labcorp Genetics (formerly Invitae), Labcorp
Classification: Uncertain significance for Familial adenomatous polyposis 2. Last evaluated: 2025-10-07. Review status: criteria provided, single submitter. Criteria: Invitae Variant Classification Sherloc (09022015). Collection method: clinical testing. Allele origin: germline.
Comment: This sequence change replaces tyrosine, which is neutral and polar, with phenylalanine, which is neutral and non-polar, at codon 456 of the MUTYH protein (p.Tyr456Phe). This variant is not present in population databases (gnomAD no frequency). This variant has not been reported in the literature in individuals affected with MUTYH-related conditions. ClinVar contains an entry for this variant (Variation ID: 483913). An algorithm developed to predict the effect of missense changes on protein structure and function outputs the following: PolyPhen-2: "Benign". The phenylalanine amino acid residue is found in multiple mammalian species, which suggests that this missense change does not adversely affect protein function. In summary, the available evidence is currently insufficient to determine the role of this variant in disease. Therefore, it has been classified as a Variant of Uncertain Significance.

Ambry Genetics
Classification: Likely benign for Hereditary cancer-predisposing syndrome. Last evaluated: 2025-09-09. Review status: criteria provided, single submitter. Criteria: Ambry Variant Classification Scheme 2023. Collection method: clinical testing. Allele origin: germline.

Color Diagnostics, LLC DBA Color Health
Classification: Uncertain significance for Hereditary cancer-predisposing syndrome. Last evaluated: 2023-12-05. Review status: criteria provided, single submitter. Criteria: ACMG Guidelines, 2015. Collection method: clinical testing. Allele origin: germline.
Comment: This missense variant replaces tyrosine with phenylalanine at codon 456 of the MUTYH protein. Computational prediction is inconclusive regarding the impact of this variant on protein structure and function (internally defined REVEL score threshold 0.5 < inconclusive < 0.7, PMID: 27666373). To our knowledge, functional studies have not been reported for this variant. This variant has not been reported in individuals affected with MUTYH-related disorders in the literature. This variant has not been identified in the general population by the Genome Aggregation Database (gnomAD). The available evidence is insufficient to determine the role of this variant in disease conclusively. Therefore, this variant is classified as a Variant of Uncertain Significance.

NM_001048174.2(MUTYH):c.1283A>T (p.Tyr428Phe)

Gene: MUTYH (mutY DNA glycosylase; minus strand). Cytogenetic location: 1p34.1.
Variant type: single nucleotide variant.
Coding change: c.1283A>T on transcript NM_001048174.2 (MANE Select); coding-DNA position 1283, A replaced by T.
Protein change: p.Tyr428Phe; replaces tyrosine 428 with phenylalanine.
Molecular consequence: missense variant. On other transcripts: non-coding transcript variant (2).
Genome position (GRCh38, 1-based): chr1:45,331,291, T>A on the plus strand (A>T on the coding strand, the complement: MUTYH is on the minus strand). VCF-style: chr1-45331291-T-A. GRCh37 (hg19) VCF-style: chr1-45796963-T-A.
Other names: c.1283A>T, p.Tyr428Phe (NM_001048171.2, NM_001048173.2, NM_001293195.2); c.1286A>T, p.Tyr429Phe (NM_001048172.2); c.1367A>T, p.Tyr456Phe (NM_001128425.2); c.1328A>T, p.Tyr443Phe (NM_001293190.2); c.1316A>T, p.Tyr439Phe (NM_001293191.2); c.1007A>T, p.Tyr336Phe (NM_001293192.2, NM_001293196.2); c.938A>T, p.Tyr313Phe (NM_001350650.2, NM_001350651.2); c.1358A>T, p.Tyr453Phe (NM_012222.3); short protein forms Y456F, Y429F, Y453F, Y336F, Y443F, Y428F, Y439F, Y313F.
Identifiers: ClinVar variation 483913 (VCV000483913.21), dbSNP rs1399651154, ClinGen allele CA340132717.
Genomic context (GRCh38, chr1:45,331,291, plus strand): 5'-AGCCAGCGAGCACCTGGTGGTACGGTGGTCACTGGGGTCTGCCCTTCCAAGGCCAGCCCA[T>A]ATACTTGATATGTCAGCTTGATGTGAGAGAAGGTGTGGACAACCTGGAGGAAGGGTCAAG-3'
Protein context (NP_001041639.1, residues 418-438): FSHIKLTYQV[Tyr428Phe]GLALEGQTPV